The following is an entry in ClinVar:

ClinVar aggregate classification (germline): Uncertain significance. Review status: criteria provided, multiple submitters, no conflicts (2 of 4 stars). 3 submissions from 3 submitters: Uncertain significance (3). Last evaluated 2025-09-15.

Conditions:
Inborn genetic diseases. Identifiers: MedGen C0950123, MeSH D030342.
Ocular cystinosis. Also called: Non-Nephropathic Cystinosis; Non-Nephropathic (Ocular) Cystinosis. Identifiers: Orphanet 213, Orphanet 411641, MedGen C2931013, MONDO:0009064, OMIM 219750.
Juvenile nephropathic cystinosis. Also called: Intermediate Cystinosis; CYSTINOSIS, LATE-ONSET JUVENILE OR ADOLESCENT NEPHROPATHIC TYPE; Later-Onset (Juvenile) Cystinosis. Identifiers: Orphanet 213, Orphanet 411634, MedGen C0268626, MONDO:0009066, OMIM 219900.

Allele frequency attached by ClinVar (database versions not stated): ExAC 0.00001; gnomAD exomes 0.00003; TOPMed 0.00003; gnomAD 0.00004.
gnomAD v4.1: 51 of 1,608,676 alleles (0.0032%); highest among the groups gnomAD compares: Middle Eastern, 0.016%; no homozygotes.

Submissions (3):

Mayo Clinic Laboratories, Mayo Clinic
Classification: Uncertain significance. Last evaluated: 2025-09-15. Review status: criteria provided, single submitter. Criteria: ACMG Guidelines, 2015. Collection method: clinical testing. Allele origin: germline. Observed: 1 variant allele.
Comment: BP4, PM2_supporting

Ambry Genetics
Classification: Uncertain significance for Inborn genetic diseases. Last evaluated: 2023-08-15. Review status: criteria provided, single submitter. Criteria: Ambry Variant Classification Scheme 2023. Collection method: clinical testing. Allele origin: germline.

Labcorp Genetics (formerly Invitae), Labcorp
Classification: Uncertain significance for Inborn genetic diseases; Ocular cystinosis; Juvenile nephropathic cystinosis. Last evaluated: 2022-04-03. Review status: criteria provided, single submitter. Criteria: Invitae Variant Classification Sherloc (09022015). Collection method: clinical testing. Allele origin: germline.
Comment: This sequence change replaces aspartic acid, which is acidic and polar, with glycine, which is neutral and non-polar, at codon 74 of the CTNS protein (p.Asp74Gly). This variant is present in population databases (rs758038281, gnomAD 0.002%). This variant has not been reported in the literature in individuals affected with CTNS-related conditions. Advanced modeling of protein sequence and biophysical properties (such as structural, functional, and spatial information, amino acid conservation, physicochemical variation, residue mobility, and thermodynamic stability) performed at Invitae indicates that this missense variant is not expected to disrupt CTNS protein function. Algorithms developed to predict the effect of sequence changes on RNA splicing suggest that this variant may create or strengthen a splice site. In summary, the available evidence is currently insufficient to determine the role of this variant in disease. Therefore, it has been classified as a Variant of Uncertain Significance.

NM_004937.3(CTNS):c.221A>G (p.Asp74Gly)

Gene: CTNS (cystinosin, lysosomal cystine transporter; plus strand). Cytogenetic location: 17p13.2.
Variant type: single nucleotide variant.
Coding change: c.221A>G on transcript NM_004937.3 (MANE Select); coding-DNA position 221, A replaced by G.
Protein change: p.Asp74Gly; replaces aspartic acid 74 with glycine.
Molecular consequence: missense variant. On other transcripts: 5 prime UTR variant (1), intron variant (3).
Genome position (GRCh38, 1-based): chr17:3,648,927, A>G. VCF-style: chr17-3648927-A-G. GRCh37 (hg19) VCF-style: chr17-3552221-A-G.
Other names: p.Asp74Gly; c.221A>G, p.Asp74Gly (NM_001031681.3, NM_001374492.1); c.-221A>G (NM_001374494.1); c.-217+1405A>G (NM_001374493.1, NM_001374496.1); c.-216-6071A>G (NM_001374495.1); c.221A>G (NM_004937.2, NM_001031681.2); short protein forms D74G.
Identifiers: ClinVar variation 2143395 (VCV002143395.4), dbSNP rs758038281, ClinGen allele CA8291604.